The following is an entry in ClinVar:

NM_000426.4(LAMA2):c.3736-1G>C

Gene: LAMA2 (laminin subunit alpha 2; plus strand). Cytogenetic location: 6q22.33.
Variant type: single nucleotide variant.
Coding change: c.3736-1G>C on transcript NM_000426.4 (MANE Select); the canonical splice acceptor site of the intron before coding-DNA position 3736, G replaced by C.
Molecular consequence: splice acceptor variant.
Genome position (GRCh38, 1-based): chr6:129,315,761, G>C. VCF-style: chr6-129315761-G-C. GRCh37 (hg19) VCF-style: chr6-129636906-G-C.
Other names: c.3736-1G>C (NM_001079823.2).
Identifiers: ClinVar variation 2875879 (VCV002875879.3), dbSNP rs2482416511, ClinGen allele CA365613160.
Genomic context (GRCh38, chr6:129,315,761, plus strand): 5'-TTTTAGAATCACACCATTTGGAGATTTATCCAATTCCTCATTCTTCTTTTTATTTTGTCA[G>C]TTGATGGCCTATGGGGGCAAACTCAAGTATGCAATCTATTTCGAGGCTCGGGAAGAAACA-3'

ClinVar aggregate classification (germline): Pathogenic (1 of 4 stars; one submission).

Conditions:
LAMA2-related muscular dystrophy (LAMA2-RD). Also called: Laminin alpha 2-related dystrophy. Identifiers: MedGen C5679788, MONDO:0100228.

Submission:

Labcorp Genetics (formerly Invitae), Labcorp
Classification: Pathogenic for LAMA2-related muscular dystrophy. Last evaluated: 2023-05-02. Review status: criteria provided, single submitter. Criteria: Invitae Variant Classification Sherloc (09022015). Collection method: clinical testing. Allele origin: germline.
Comment: For these reasons, this variant has been classified as Pathogenic. Algorithms developed to predict the effect of sequence changes on RNA splicing suggest that this variant may disrupt the consensus splice site. Disruption of this splice site has been observed in individual(s) with clinical features of LAMA2-related conditions (Invitae). In at least one individual the data is consistent with being in trans (on the opposite chromosome) from a pathogenic variant. It has also been observed to segregate with disease in related individuals. This variant is not present in population databases (gnomAD no frequency). This sequence change affects an acceptor splice site in intron 25 of the LAMA2 gene. It is expected to disrupt RNA splicing. Variants that disrupt the donor or acceptor splice site typically lead to a loss of protein function (PMID: 16199547), and loss-of-function variants in LAMA2 are known to be pathogenic (PMID: 18700894, 32904964).

Literature cited by the submitters: PubMed 16199547; PubMed 18700894; PubMed 32904964.